The following is an entry in ClinVar:

NM_003073.5(SMARCB1):c.616T>G (p.Trp206Gly)

Gene: SMARCB1 (SWI/SNF related BAF chromatin remodeling complex subunit B1; plus strand). Cytogenetic location: 22q11.23.
Variant type: single nucleotide variant.
Coding change: c.616T>G on transcript NM_003073.5 (MANE Select); coding-DNA position 616, T replaced by G.
Protein change: p.Trp206Gly; replaces tryptophan 206 with glycine.
Molecular consequence: missense variant.
Genome position (GRCh38, 1-based): chr22:23,803,410, T>G. VCF-style: chr22-23803410-T-G. GRCh37 (hg19) VCF-style: chr22-24145597-T-G.
Other names: c.589T>G, p.Trp197Gly (NM_001007468.3); c.643T>G, p.Trp215Gly (NM_001317946.2); c.670T>G, p.Trp224Gly (NM_001362877.2); short protein forms W206G, W224G, W197G, W215G.
Identifiers: ClinVar variation 3643603 (VCV003643603.2).

ClinVar aggregate classification (germline): Uncertain significance (1 of 4 stars; one submission).

Submission:

Labcorp Genetics (formerly Invitae), Labcorp
Classification: Uncertain significance. Last evaluated: 2024-02-28. Review status: criteria provided, single submitter. Criteria: Invitae Variant Classification Sherloc (09022015). Collection method: clinical testing. Allele origin: germline.
Comment: This sequence change replaces tryptophan, which is neutral and slightly polar, with glycine, which is neutral and non-polar, at codon 206 of the SMARCB1 protein (p.Trp206Gly). This variant is not present in population databases (gnomAD no frequency). This variant has not been reported in the literature in individuals affected with SMARCB1-related conditions. Advanced modeling of protein sequence and biophysical properties (such as structural, functional, and spatial information, amino acid conservation, physicochemical variation, residue mobility, and thermodynamic stability) performed at Invitae indicates that this missense variant is expected to disrupt SMARCB1 protein function with a positive predictive value of 80%. In summary, the available evidence is currently insufficient to determine the role of this variant in disease. Therefore, it has been classified as a Variant of Uncertain Significance.